The following is an entry in ClinVar:

ClinVar aggregate classification (germline): Uncertain significance (1 of 4 stars; one submission).

Conditions:
SCYL1-related disorder. Also called: SCYL1-related condition.

gnomAD v4.1: 6 of 1,611,540 alleles (0.00037%); highest among the groups gnomAD compares: South Asian, 0.0011%; no homozygotes.

Submission:

PreventionGenetics, part of Exact Sciences
Classification: Uncertain significance for SCYL1-related condition. Last evaluated: 2026-07-22. Review status: criteria provided, single submitter. Criteria: ACMG Guidelines, 2015. Collection method: clinical testing. Allele origin: germline.
Comment: The SCYL1 c.2413C>T variant is predicted to result in the amino acid substitution p.Arg805Trp. This variant has been reported in one individual with autism spectrum disorder (Table S20, Fu et al. 2022. PubMed ID: 35982160; Supplemental Data 1, Zhou et al. 2022. PubMed ID: 35982159). This variant has not been reported in a large population database (gnomAD), indicating this variant is rare. At this time, the clinical significance of this variant is uncertain due to the absence of conclusive functional and genetic evidence.

NM_020680.4(SCYL1):c.2413C>T (p.Arg805Trp)

Gene: SCYL1 (SCY1 like pseudokinase 1; plus strand). Cytogenetic location: 11q13.1.
Variant type: single nucleotide variant.
Coding change: c.2413C>T on transcript NM_020680.4 (MANE Select); coding-DNA position 2413, C replaced by T.
Protein change: p.Arg805Trp; replaces arginine 805 with tryptophan.
Molecular consequence: missense variant. On other transcripts: 3 prime UTR variant (14).
Genome position (GRCh38, 1-based): chr11:65,538,552, C>T. VCF-style: chr11-65538552-C-T. GRCh37 (hg19) VCF-style: chr11-65306023-C-T.
Other names: c.2362C>T, p.Arg788Trp (NM_001048218.2); c.*12C>T (NM_001411022.1, NM_001425185.1, NM_001425186.1 and 9 more transcripts); c.2410C>T, p.Arg804Trp (NM_001425179.1, NM_001425180.1, NM_001425181.1); c.2407C>T, p.Arg803Trp (NM_001425182.1); c.2359C>T, p.Arg787Trp (NM_001425183.1, NM_001425184.1); c.2335C>T, p.Arg779Trp (NM_001425187.1); c.2329C>T, p.Arg777Trp (NM_001425189.1); c.2299C>T, p.Arg767Trp (NM_001425191.1); and 12 more; short protein forms R601W, R644W, R803W, R754W, R779W, R787W, R804W, R805W.
Identifiers: ClinVar variation 4977238 (VCV004977238.1).
Genomic context (GRCh38, chr11:65,538,552, plus strand): 5'-GAGATGGAGGCCAAACGCGCCGAGAGGAAGGTGGCCAAGGGCCCCATGAAGCTGGGAGCC[C>T]GGAAGCTGGACTGAACCGTGGCGGTGGCCCTTCCCGGCTGCGGAGAGCCCGCCCCACAGA-3'
Protein context (NP_065731.3, residues 795-808): VAKGPMKLGA[Arg805Trp]KLD